The following is an entry in ClinVar:

ClinVar aggregate classification (germline): Uncertain significance. Review status: criteria provided, multiple submitters, no conflicts (2 of 4 stars). 3 submissions from 3 submitters: Uncertain significance (3). Last evaluated 2024-11-06.

Conditions:
Inborn genetic diseases. Identifiers: MedGen C0950123, MeSH D030342.

Allele frequency attached by ClinVar (database versions not stated): TOPMed below 0.00001; gnomAD 0.00001.
gnomAD v4.1: 2 of 1,613,878 alleles (0.00012%); highest among the groups gnomAD compares: Admixed American, 0.0017%; no homozygotes.

Submissions (3):

Labcorp Genetics (formerly Invitae), Labcorp
Classification: Uncertain significance. Last evaluated: 2024-11-06. Review status: criteria provided, single submitter. Criteria: Invitae Variant Classification Sherloc (09022015). Collection method: clinical testing. Allele origin: germline.
Comment: This sequence change replaces alanine, which is neutral and non-polar, with threonine, which is neutral and polar, at codon 1960 of the CHD8 protein (p.Ala1960Thr). This variant is not present in population databases (gnomAD no frequency). This variant has not been reported in the literature in individuals affected with CHD8-related conditions. ClinVar contains an entry for this variant (Variation ID: 1335843). Invitae Evidence Modeling of protein sequence and biophysical properties (such as structural, functional, and spatial information, amino acid conservation, physicochemical variation, residue mobility, and thermodynamic stability) indicates that this missense variant is not expected to disrupt CHD8 protein function with a negative predictive value of 95%. In summary, the available evidence is currently insufficient to determine the role of this variant in disease. Therefore, it has been classified as a Variant of Uncertain Significance.

Ambry Genetics
Classification: Uncertain significance for Inborn genetic diseases. Last evaluated: 2024-08-04. Review status: criteria provided, single submitter. Criteria: Ambry Variant Classification Scheme 2023. Collection method: clinical testing. Allele origin: germline.

GeneDx
Classification: Uncertain significance. Last evaluated: 2022-01-19. Review status: criteria provided, single submitter. Criteria: GeneDx Variant Classification Process June 2021. Collection method: clinical testing. Allele origin: germline. Affected: yes.
Comment: Not observed at significant frequency in large population cohorts (gnomAD); In silico analysis supports that this missense variant has a deleterious effect on protein structure/function; Has not been previously published as pathogenic or benign to our knowledge

NM_001170629.2(CHD8):c.5878G>A (p.Ala1960Thr)

Gene: CHD8 (chromodomain helicase DNA binding protein 8; minus strand). Cytogenetic location: 14q11.2.
Variant type: single nucleotide variant.
Coding change: c.5878G>A on transcript NM_001170629.2 (MANE Select); coding-DNA position 5878, G replaced by A.
Protein change: p.Ala1960Thr; replaces alanine 1960 with threonine.
Molecular consequence: missense variant.
Genome position (GRCh38, 1-based): chr14:21,393,917, C>T on the plus strand (G>A on the coding strand, the complement: CHD8 is on the minus strand). VCF-style: chr14-21393917-C-T. GRCh37 (hg19) VCF-style: chr14-21862076-C-T.
Other names: c.5041G>A, p.Ala1681Thr (NM_020920.4); short protein forms A1681T, A1960T.
Identifiers: ClinVar variation 1335843 (VCV001335843.5), dbSNP rs1029580412, ClinGen allele CA257593491.